The following is an entry in ClinVar:

NM_004380.3(CREBBP):c.6953A>C (p.Gln2318Pro)

Gene: CREBBP (CREB binding lysine acetyltransferase; minus strand). Cytogenetic location: 16p13.3.
Variant type: single nucleotide variant.
Coding change: c.6953A>C on transcript NM_004380.3 (MANE Select); coding-DNA position 6953, A replaced by C.
Protein change: p.Gln2318Pro; replaces glutamine 2318 with proline.
Molecular consequence: missense variant.
Genome position (GRCh38, 1-based): chr16:3,728,094, T>G on the plus strand (A>C on the coding strand, the complement: CREBBP is on the minus strand). VCF-style: chr16-3728094-T-G. GRCh37 (hg19) VCF-style: chr16-3778095-T-G.
Other names: c.6839A>C, p.Gln2280Pro (NM_001079846.1); short protein forms Q2280P, Q2318P.
Identifiers: ClinVar variation 1878788 (VCV001878788.3), dbSNP rs760140366, ClinGen allele CA7868974.
Genomic context (GRCh38, chr16:3,728,094, plus strand): 5'-GACGTGGCGATCTGCTGGCCAGGGAGATGCGAGGCCTGTGGCTGTCCTGAGAGCATGTGT[T>G]GCTGGGGGCTCATGGGGTTCGGCTGGCCTGGGGACCCAATCTGCTGCTTCATCTGCTGTT-3'
Protein context (NP_004371.2, residues 2308-2328): PGQPNPMSPQ[Gln2318Pro]HMLSGQPQAS

ClinVar aggregate classification (germline): Conflicting classifications of pathogenicity. Review status: criteria provided, conflicting classifications (1 of 4 stars). 3 submissions from 3 submitters: Uncertain significance (2); Benign (1). Last evaluated 2025-10-09.

Conditions:
Rubinstein-Taybi syndrome (RSTS). Identifiers: Orphanet 783, MedGen C0035934, MONDO:0019188.
CREBBP-related disorder. Also called: CREBBP-related condition; CREBBP-related disorders.

Allele frequency attached by ClinVar (database versions not stated): ExAC 0.00001; gnomAD 0.00001; gnomAD exomes 0.00001; TOPMed 0.00002.
gnomAD v4.1: 5 of 1,614,028 alleles (0.00031%); highest among the groups gnomAD compares: Admixed American, 0.0067%; no homozygotes.

Submissions (3):

PreventionGenetics, part of Exact Sciences
Classification: Uncertain significance for CREBBP-related condition. Last evaluated: 2025-10-09. Review status: criteria provided, single submitter. Criteria: ACMG Guidelines, 2015. Collection method: clinical testing. Allele origin: germline.
Comment: The CREBBP c.6953A>C variant is predicted to result in the amino acid substitution p.Gln2318Pro. To our knowledge, this variant has not been reported in the literature. This variant is reported in 0.0087% of alleles in individuals of Latino descent in gnomAD. At this time, the clinical significance of this variant is uncertain due to the absence of conclusive functional and genetic evidence.

Labcorp Genetics (formerly Invitae), Labcorp
Classification: Benign for Rubinstein-Taybi syndrome. Last evaluated: 2025-07-09. Review status: criteria provided, single submitter. Criteria: Invitae Variant Classification Sherloc (09022015). Collection method: clinical testing. Allele origin: germline.

GeneDx
Classification: Uncertain significance. Last evaluated: 2022-07-14. Review status: criteria provided, single submitter. Criteria: GeneDx Variant Classification Process June 2021. Collection method: clinical testing. Allele origin: germline. Affected: yes.
Comment: In silico analysis supports that this missense variant does not alter protein structure/function; Has not been previously reported as a pathogenic or benign germline variant to our knowledge; This variant is associated with the following publications: (PMID: 32716208)